The following is an entry in ClinVar:

ClinVar aggregate classification (germline): Uncertain significance. Review status: criteria provided, multiple submitters, no conflicts (2 of 4 stars). 5 submissions from 5 submitters: Uncertain significance (5). Last evaluated 2025-06-18.

Conditions:
Cardiovascular phenotype. Identifiers: MedGen CN230736.
Cardiomyopathy (CMYO). Also called: Cardiomyopathies. Identifiers: Orphanet 167848, MedGen C0878544, MONDO:0004994, HP:0001638. Inheritance: Various modes of inheritance.
Arrhythmogenic right ventricular cardiomyopathy (ARVD). Also called: Arrhythmogenic cardiomyopathy; Arrhythmogenic Right Ventricular Cardiomyopathy (ARVC); Cardiomyopathy, ARVC; Arrhythmogenic right ventricular dysplasia. Identifiers: Orphanet 247, MedGen C0349788, MeSH D019571, MONDO:0016587. Disease mechanism: loss of function. Inheritance: Various modes of inheritance.
Arrhythmogenic right ventricular dysplasia 9 (ARVD9). Also called: Arrhythmogenic Right Ventricular Dysplasia/Cardiomyopathy 9; ARRHYTHMOGENIC RIGHT VENTRICULAR DYSPLASIA, FAMILIAL, 9. Identifiers: MedGen C1836906, MONDO:0012180, OMIM 609040.

Allele frequency attached by ClinVar (database versions not stated): gnomAD exomes 0.00001; ExAC 0.00002; gnomAD 0.00006; TOPMed 0.00006.
gnomAD v4.1: 15 of 1,614,032 alleles (0.00093%); highest among the groups gnomAD compares: African/African-American, 0.019%; no homozygotes.

Submissions (5):

Labcorp Genetics (formerly Invitae), Labcorp
Classification: Uncertain significance for Arrhythmogenic right ventricular dysplasia 9. Last evaluated: 2025-06-18. Review status: criteria provided, single submitter. Criteria: Invitae Variant Classification Sherloc (09022015). Collection method: clinical testing. Allele origin: germline.
Comment: This sequence change replaces isoleucine, which is neutral and non-polar, with asparagine, which is neutral and polar, at codon 397 of the PKP2 protein (p.Ile397Asn). This variant is present in population databases (rs772334698, gnomAD 0.03%). This variant has not been reported in the literature in individuals affected with PKP2-related conditions. ClinVar contains an entry for this variant (Variation ID: 575242). An algorithm developed to predict the effect of missense changes on protein structure and function (PolyPhen-2) suggests that this variant is likely to be disruptive. In summary, the available evidence is currently insufficient to determine the role of this variant in disease. Therefore, it has been classified as a Variant of Uncertain Significance.

Color Diagnostics, LLC DBA Color Health
Classification: Uncertain significance for Cardiomyopathy. Last evaluated: 2024-03-06. Review status: criteria provided, single submitter. Criteria: ACMG Guidelines, 2015. Collection method: clinical testing. Allele origin: germline.
Comment: This missense variant replaces isoleucine with asparagine at codon 397 of the PKP2 protein. Computational prediction suggests that this variant may have deleterious impact on protein structure and function (internally defined REVEL score threshold >= 0.7, PMID: 27666373). To our knowledge, functional studies have not been reported for this variant. This variant has not been reported in individuals affected with cardiovascular disorders in the literature. This variant has been identified in 7/282582 chromosomes in the general population by the Genome Aggregation Database (gnomAD). The available evidence is insufficient to determine the role of this variant in disease conclusively. Therefore, this variant is classified as a Variant of Uncertain Significance.

Ambry Genetics
Classification: Uncertain significance for Cardiovascular phenotype. Last evaluated: 2024-01-17. Review status: criteria provided, single submitter. Criteria: Ambry Variant Classification Scheme 2023. Collection method: clinical testing. Allele origin: germline.
Comment: The p.I397N variant (also known as c.1190T>A), located in coding exon 5 of the PKP2 gene, results from a T to A substitution at nucleotide position 1190. The isoleucine at codon 397 is replaced by asparagine, an amino acid with dissimilar properties. This amino acid position is well conserved in available vertebrate species. In addition, the in silico prediction for this alteration is inconclusive. Since supporting evidence is limited at this time, the clinical significance of this alteration remains unclear.

All of Us Research Program, National Institutes of Health
Classification: Uncertain significance for Arrhythmogenic right ventricular cardiomyopathy. Last evaluated: 2023-10-23. Review status: criteria provided, single submitter. Criteria: ACMG Guidelines, 2015. Collection method: clinical testing. Allele origin: germline. Inheritance: Autosomal dominant inheritance. Observed: 3 variant alleles, 3 heterozygotes.
Comment: Variant of Uncertain Significance due to insufficient evidence: This missense variant is located in the armadillo repeat 2 of the PKP2 protein. Computational prediction tools and conservation analyses suggest that this variant may have deleterious impact on the protein function. Computational splicing tools suggest that this variant may not impact RNA splicing. To our knowledge, functional assays have not been performed for this variant nor has this variant been reported in individuals affected with cardiovascular disorders in the literature. This variant has been identified in 7/276926 chromosomes in the general population by the Genome Aggregation Database (gnomAD). Available evidence is insufficient to determine the pathogenicity of this variant conclusively.

This study involves interpretation of variants in research participants for the purpose of population health screening. Participant phenotype was not available at the time of variant classification. Additional details can be found in publication PMID: 35346344, PMCID: PMC8962531

Fulgent Genetics
Classification: Uncertain significance for Arrhythmogenic right ventricular dysplasia 9. Last evaluated: 2021-09-14. Review status: criteria provided, single submitter. Criteria: ACMG Guidelines, 2015. Collection method: clinical testing. Allele origin: unknown.

NM_001005242.3(PKP2):c.1190T>A (p.Ile397Asn)

Gene: PKP2 (plakophilin 2; minus strand). Cytogenetic location: 12p11.21.
Variant type: single nucleotide variant.
Coding change: c.1190T>A on transcript NM_001005242.3 (MANE Select); coding-DNA position 1190, T replaced by A.
Protein change: p.Ile397Asn; replaces isoleucine 397 with asparagine.
Molecular consequence: missense variant.
Genome position (GRCh38, 1-based): chr12:32,850,954, A>T on the plus strand (T>A on the coding strand, the complement: PKP2 is on the minus strand). VCF-style: chr12-32850954-A-T. GRCh37 (hg19) VCF-style: chr12-33003888-A-T.
Other names: c.1190T>A, p.Ile397Asn (NM_004572.4); short protein forms I397N.
Identifiers: ClinVar variation 575242 (VCV000575242.15), dbSNP rs772334698, ClinGen allele CA027391.